The following is an entry in ClinVar:

ClinVar aggregate classification (germline): Uncertain significance. Review status: criteria provided, multiple submitters, no conflicts (2 of 4 stars). 4 submissions from 4 submitters: Uncertain significance (4). Last evaluated 2026-08-07.

Conditions:
Hereditary hyperekplexia. Identifiers: Orphanet 3197, MedGen C4084968, MONDO:0021022.
Hyperekplexia 1 (STHE). Also called: EXAGGERATED STARTLE REACTION; KOK DISEASE; STARTLE DISEASE, FAMILIAL; STIFF-BABY SYNDROME; STIFF-MAN SYNDROME, CONGENITAL; STIFF-PERSON SYNDROME, CONGENITAL. Identifiers: Orphanet 3197, MedGen C4551954, MONDO:0007868, OMIM 149400.
Inborn genetic diseases. Identifiers: MedGen C0950123, MeSH D030342.

Submissions (4):

GeneDx
Classification: Uncertain significance. Last evaluated: 2026-08-07. Review status: criteria provided, single submitter. Criteria: GeneDx Variant Classification Process June 2021. Collection method: clinical testing. Allele origin: germline.
Comment: In-frame deletion of 1 amino acid in a non-repeat region; In silico analysis supports a deleterious effect on protein structure/function; Has not been previously published as pathogenic or benign to our knowledge

Labcorp Genetics (formerly Invitae), Labcorp
Classification: Uncertain significance for Hereditary hyperekplexia. Last evaluated: 2025-11-17. Review status: criteria provided, single submitter. Criteria: Invitae Variant Classification Sherloc (09022015). Collection method: clinical testing. Allele origin: germline.
Comment: This variant, c.1207_1209del, results in the deletion of 1 amino acid(s) of the GLRA1 protein (p.Glu403del), but otherwise preserves the integrity of the reading frame. This variant is present in population databases (rs767780037, gnomAD 0.03%). This variant has not been reported in the literature in individuals affected with GLRA1-related conditions. ClinVar contains an entry for this variant (Variation ID: 532836). Experimental studies and prediction algorithms are not available or were not evaluated, and the functional significance of this variant is currently unknown. In summary, the available evidence is currently insufficient to determine the role of this variant in disease. Therefore, it has been classified as a Variant of Uncertain Significance.

Ambry Genetics
Classification: Uncertain significance for Inborn genetic diseases. Last evaluated: 2024-08-14. Review status: criteria provided, single submitter. Criteria: Ambry Variant Classification Scheme 2023. Collection method: clinical testing. Allele origin: germline.
Comment: The c.1207_1209delGAG (p.E403del) alteration is located in exon 9 (coding exon 9) of the GLRA1 gene. This alteration consists of an in-frame deletion of 3 nucleotides between nucleotide positions c.1207 and c.1209, resulting in the deletion of 1 residue. Based on insufficient or conflicting evidence, the clinical significance of this alteration remains unclear.

Fulgent Genetics
Classification: Uncertain significance for Hyperekplexia 1. Last evaluated: 2024-01-05. Review status: criteria provided, single submitter. Criteria: ACMG Guidelines, 2015. Collection method: clinical testing. Allele origin: germline.

NM_000171.4(GLRA1):c.1204GAG[1] (p.Glu403del)

Gene: GLRA1 (glycine receptor alpha 1; minus strand). Cytogenetic location: 5q33.1.
Variant type: Microsatellite.
Coding change: c.1204GAG[1] on transcript NM_000171.4 (MANE Select); one copy of the 3-base unit GAG starting at c.1204; the reference has two copies in a row; one copy, 3 bases deleted; also written c.1207_1209del.
Protein change: p.Glu403del; deletes glutamic acid 403.
Molecular consequence: inframe deletion.
Genome position (GRCh38, 1-based): chr5:151,822,814-151,822,816, CTC deleted on the plus strand (GAG on the coding strand, the reverse complement: GLRA1 is on the minus strand); deleting any 3 consecutive bases within chr5:151,822,814-151,822,819 gives the same sequence; the position shown is the placement nearest the transcript's 3' end. VCF-style (leftmost placement, unchanged base first): chr5-151822813-TCTC-T. GRCh37 (hg19) VCF-style: chr5-151202374-TCTC-T.
Other names: c.1228GAG[1], p.Glu411del (NM_001146040.2); c.955GAG[1], p.Glu320del (NM_001292000.2); c.1207_1209del (NM_000171.3, NM_000171.4); short protein forms E403del, E411del, E320del.
Identifiers: ClinVar variation 532836 (VCV000532836.13), dbSNP rs767780037, ClinGen allele CA3523482.